The following is an entry in ClinVar:

ClinVar aggregate classification (germline): Uncertain significance (1 of 4 stars; one submission).

Conditions:
2-aminoadipic 2-oxoadipic aciduria (AAKAD). Also called: Aminoadipic aciduria; ALPHA-AMINOADIPIC AND ALPHA-KETOADIPIC ACIDURIA. Identifiers: Orphanet 79154, MedGen C1859817, MONDO:0008774, OMIM 204750.

gnomAD v4.1: 1 of 1,613,952 alleles (0.000062%); highest among the groups gnomAD compares: Admixed American, 0.0017%; no homozygotes.

Submission:

Labcorp Genetics (formerly Invitae), Labcorp
Classification: Uncertain significance for 2-aminoadipic 2-oxoadipic aciduria. Last evaluated: 2025-07-29. Review status: criteria provided, single submitter. Criteria: Invitae Variant Classification Sherloc (09022015). Collection method: clinical testing. Allele origin: germline.
Comment: This sequence change replaces aspartic acid, which is acidic and polar, with tyrosine, which is neutral and polar, at codon 702 of the DHTKD1 protein (p.Asp702Tyr). This variant is not present in population databases (gnomAD no frequency). This variant has not been reported in the literature in individuals affected with DHTKD1-related conditions. Invitae Evidence Modeling of protein sequence and biophysical properties (such as structural, functional, and spatial information, amino acid conservation, physicochemical variation, residue mobility, and thermodynamic stability) indicates that this missense variant is expected to disrupt DHTKD1 protein function with a positive predictive value of 80%. In summary, the available evidence is currently insufficient to determine the role of this variant in disease. Therefore, it has been classified as a Variant of Uncertain Significance.

NM_018706.7(DHTKD1):c.2104G>T (p.Asp702Tyr)

Gene: DHTKD1 (dehydrogenase E1 and transketolase domain containing 1; plus strand). Cytogenetic location: 10p14.
Variant type: single nucleotide variant.
Coding change: c.2104G>T on transcript NM_018706.7 (MANE Select); coding-DNA position 2104, G replaced by T.
Protein change: p.Asp702Tyr; replaces aspartic acid 702 with tyrosine.
Molecular consequence: missense variant.
Genome position (GRCh38, 1-based): chr10:12,107,965, G>T. VCF-style: chr10-12107965-G-T. GRCh37 (hg19) VCF-style: chr10-12149964-G-T.
Other names: short protein forms D702Y.
Identifiers: ClinVar variation 4745116 (VCV004745116.1).
Genomic context (GRCh38, chr10:12,107,965, plus strand): 5'-CCAGGAGAGGCCAAGTGGCTCCTACAAAGCGGCATCGTCATCCTCCTTCCACATGGCTAC[G>T]ATGGGGCTGGGCCAGACCACTCATCCTGTCGAATAGAGCGTTTCCTGCAGGTAAGGGTAA-3'
Protein context (NP_061176.4, residues 692-712): GIVILLPHGY[Asp702Tyr]GAGPDHSSCR